The following is an entry in ClinVar:

ClinVar aggregate classification (germline): Uncertain significance (1 of 4 stars; one submission).

gnomAD v4.1: 24 of 1,614,058 alleles (0.0015%); highest among the groups gnomAD compares: Non-Finnish European, 0.0019%; no homozygotes.

Submission:

Labcorp Genetics (formerly Invitae), Labcorp
Classification: Uncertain significance. Last evaluated: 2024-11-16. Review status: criteria provided, single submitter. Criteria: Invitae Variant Classification Sherloc (09022015). Collection method: clinical testing. Allele origin: germline.
Comment: This sequence change replaces valine, which is neutral and non-polar, with alanine, which is neutral and non-polar, at codon 98 of the GPR45 protein (p.Val98Ala). This variant is present in population databases (no rsID available, gnomAD 0.004%). This variant has not been reported in the literature in individuals affected with GPR45-related conditions. An algorithm developed to predict the effect of missense changes on protein structure and function (PolyPhen-2) suggests that this variant is likely to be tolerated. In summary, the available evidence is currently insufficient to determine the role of this variant in disease. Therefore, it has been classified as a Variant of Uncertain Significance.

NM_007227.3(GPR45):c.293T>C (p.Val98Ala)

Gene: GPR45 (G protein-coupled receptor 45; plus strand). Cytogenetic location: 2q12.1.
Variant type: single nucleotide variant.
Coding change: c.293T>C on transcript NM_007227.3 (MANE Select); coding-DNA position 293, T replaced by C.
Protein change: p.Val98Ala; replaces valine 98 with alanine.
Molecular consequence: missense variant.
Genome position (GRCh38, 1-based): chr2:105,242,151, T>C. VCF-style: chr2-105242151-T-C. GRCh37 (hg19) VCF-style: chr2-105858608-T-C.
Other names: short protein forms V98A.
Identifiers: ClinVar variation 3612419 (VCV003612419.2).
Genomic context (GRCh38, chr2:105,242,151, plus strand): 5'-TCTCCGACATCATGCTGTCCCTCTGCTGCATGCCCTTCACCGCCGTCACCCTCATCACCG[T>C]GCGCTGGCACTTTGGGGACCACTTCTGCCGCCTCTCAGCCACGCTCTACTGGTTTTTTGT-3'
Protein context (NP_009158.3, residues 88-108): MPFTAVTLIT[Val98Ala]RWHFGDHFCR